The following is an entry in ClinVar:

NM_005676.5(RBM10):c.2141C>A (p.Pro714Gln)

Gene: RBM10 (RNA binding motif protein 10; plus strand). Cytogenetic location: Xp11.3.
Variant type: single nucleotide variant.
Coding change: c.2141C>A on transcript NM_005676.5 (MANE Select); coding-DNA position 2141, C replaced by A.
Protein change: p.Pro714Gln; replaces proline 714 with glutamine.
Molecular consequence: missense variant.
Genome position (GRCh38, 1-based): chrX:47,185,342, C>A. VCF-style: chrX-47185342-C-A. GRCh37 (hg19) VCF-style: chrX-47044741-C-A.
Other names: c.1910C>A, p.Pro637Gln (NM_001204466.2); c.2138C>A, p.Pro713Gln (NM_001204467.2); c.2336C>A, p.Pro779Gln (NM_001204468.2); c.1907C>A, p.Pro636Gln (NM_152856.3); short protein forms P636Q, P713Q, P637Q, P714Q, P779Q.
Identifiers: ClinVar variation 2873278 (VCV002873278.3), dbSNP rs143128508, ClinGen allele CA10395417.
Genomic context (GRCh38, chrX:47,185,342, plus strand): 5'-TCTGTGTCCCTCCACCCCAGGGAGCACTAGCCGAGAGACAGCACACCAGCATGGATCTCC[C>A]GAAATTGGCCAGTGACGACCGCCCAGTGAGTGCCCAAGGCAGAGAGGGGCGGGGGCTCTG-3'
Protein context (NP_005667.2, residues 704-724): AERQHTSMDL[Pro714Gln]KLASDDRPSP

ClinVar aggregate classification (germline): Uncertain significance (1 of 4 stars; one submission).

Allele frequency attached by ClinVar (database versions not stated): gnomAD 0.00001; TOPMed 0.00001; ExAC 0.00002; ESP Exome Variant Server 0.00009.
gnomAD v4.1: 21 of 1,205,711 alleles (0.0017%); highest among the groups gnomAD compares: Non-Finnish European, 0.0022%; no homozygotes.

Submission:

Labcorp Genetics (formerly Invitae), Labcorp
Classification: Uncertain significance. Last evaluated: 2023-01-01. Review status: criteria provided, single submitter. Criteria: Invitae Variant Classification Sherloc (09022015). Collection method: clinical testing. Allele origin: germline.
Comment: In summary, the available evidence is currently insufficient to determine the role of this variant in disease. Therefore, it has been classified as a Variant of Uncertain Significance. Advanced modeling of protein sequence and biophysical properties (such as structural, functional, and spatial information, amino acid conservation, physicochemical variation, residue mobility, and thermodynamic stability) performed at Invitae indicates that this missense variant is not expected to disrupt RBM10 protein function. This variant has not been reported in the literature in individuals affected with RBM10-related conditions. The frequency data for this variant in the population databases is considered unreliable, as metrics indicate poor data quality at this position in the gnomAD database. This sequence change replaces proline, which is neutral and non-polar, with glutamine, which is neutral and polar, at codon 714 of the RBM10 protein (p.Pro714Gln).